The following is an entry in ClinVar:

NM_000059.4(BRCA2):c.9646C>T (p.Leu3216=)

Gene: BRCA2 (BRCA2 DNA repair associated; plus strand). Cytogenetic location: 13q13.1.
Variant type: single nucleotide variant.
Coding change: c.9646C>T on transcript NM_000059.4 (MANE Select); coding-DNA position 9646, C replaced by T.
Protein change: p.Leu3216=; no amino-acid change (leucine 3216 retained).
Molecular consequence: synonymous variant.
Genome position (GRCh38, 1-based): chr13:32,397,042, C>T. VCF-style: chr13-32397042-C-T. GRCh37 (hg19) VCF-style: chr13-32971179-C-T.
Other names: L3216L.
Identifiers: ClinVar variation 52878 (VCV000052878.15), dbSNP rs80359809, ClinGen allele CA026244.
Genomic context (GRCh38, chr13:32,397,042, plus strand): 5'-AAAGACTGTACTTCAGGGCCGTACACTGCTCAAATCATTCCTGGTACAGGAAACAAGCTT[C>T]TGGTAAGTTAATGTAAACTCAAGGAATATTATAAGAAGTATATATGGAGGCCATCGTATA-3'
Protein context (NP_000050.3, residues 3206-3226): QIIPGTGNKL[Leu3216=]MSSPNCEIYY

ClinVar aggregate classification (germline): Likely benign. Review status: reviewed by expert panel (3 of 4 stars). 5 submissions from 5 submitters: Likely benign (1). 4 of the submissions do not count toward it. Last evaluated 2017-06-29.

Conditions:
Hereditary breast ovarian cancer syndrome. Also called: Hereditary breast and ovarian cancer syndrome; Hereditary breast and ovarian cancer; Hereditary breast and ovarian cancer syndrome (HBOC); Breast and ovarian cancer; Hereditary breast and/or ovarian cancer syndrome; BRCA1- and BRCA2-Associated Hereditary Breast and Ovarian Cancer. Identifiers: Orphanet 145, MedGen C0677776, MeSH D061325, MONDO:0003582. Disease mechanism: loss of function.
Breast-ovarian cancer, familial, susceptibility to, 2 (BROVCA2). Also called: BRCA2 Hereditary Breast and Ovarian Cancer. Identifiers: Orphanet 145, MedGen C2675520, MONDO:0012933, OMIM 612555. Disease mechanism: loss of function.
BRCA2-related cancer predisposition. Identifiers: MedGen CN377758, MONDO:0700269.
Hereditary cancer-predisposing syndrome. Also called: Neoplastic Syndromes, Hereditary; Tumor predisposition; Hereditary neoplastic syndrome; Hereditary Cancer Syndrome. Identifiers: Orphanet 140162, MedGen C0027672, MeSH D009386, MONDO:0015356.

Allele frequency attached by ClinVar (database versions not stated): gnomAD exomes below 0.00001; gnomAD 0.00001; TOPMed 0.00001.
gnomAD v4.1: 3 of 1,613,714 alleles (0.00019%); highest among the groups gnomAD compares: African/African-American, 0.004%; no homozygotes.

Submissions (5):

Evidence-based Network for the Interpretation of Germline Mutant Alleles (ENIGMA)
Classification: Likely benign for Breast-ovarian cancer, familial, susceptibility to, 2. Last evaluated: 2017-06-29. Review status: reviewed by expert panel. Criteria: ENIGMA BRCA1/2 Classification Criteria (2017-06-29). Collection method: curation. Allele origin: germline.
Comment: Synonymous substitution variant, with low bioinformatic likelihood to result in a splicing aberration (Splicing prior probability 0.04).

Labcorp Genetics (formerly Invitae), Labcorp
Classification: Likely benign for Hereditary breast ovarian cancer syndrome. Last evaluated: 2025-11-25. Review status: criteria provided, single submitter. Criteria: Invitae Variant Classification Sherloc (09022015). Collection method: clinical testing. Allele origin: germline. Not counted in ClinVar's aggregate classification.

All of Us Research Program, National Institutes of Health
Classification: Likely benign for BRCA2-related cancer predisposition. Last evaluated: 2024-06-17. Review status: criteria provided, single submitter. Criteria: ACMG Guidelines, 2015. Collection method: clinical testing. Allele origin: germline. Inheritance: Autosomal dominant inheritance. Observed: 1 variant allele, 1 heterozygote. Not counted in ClinVar's aggregate classification.
Comment: This study involves interpretation of variants in research participants for the purpose of population health screening. Participant phenotype was not available at the time of variant classification. Additional details can be found in publication PMID: 35346344, PMCID: PMC8962531

Ambry Genetics
Classification: Likely benign for Hereditary cancer-predisposing syndrome. Last evaluated: 2022-01-24. Review status: criteria provided, single submitter. Criteria: Ambry Variant Classification Scheme 2023. Collection method: clinical testing. Allele origin: germline. Not counted in ClinVar's aggregate classification.

Breast Cancer Information Core (BIC) (BRCA2)
Classification: Uncertain significance for Breast-ovarian cancer, familial 2. Last evaluated: 2007-01-18. Review status: no assertion criteria provided. Collection method: clinical testing. Allele origin: germline. Affected: yes. Observed: 1 variant allele. Not counted in ClinVar's aggregate classification.